The following is an entry in ClinVar:

NM_001267550.2(TTN):c.70701T>A (p.Tyr23567Ter)

Genes: TTN-AS1 (TTN antisense RNA 1; plus strand), TTN (titin; minus strand). Cytogenetic location: 2q31.2.
Variant type: single nucleotide variant.
Coding change: c.70701T>A on transcript NM_001267550.2 (MANE Select); coding-DNA position 70701, T replaced by A.
Protein change: p.Tyr23567Ter; replaces tyrosine 23567 with a stop codon.
Molecular consequence: nonsense.
Genome position (GRCh38, 1-based): chr2:178,575,431, A>T on the plus strand (T>A on the coding strand, the complement: TTN is on the minus strand). VCF-style: chr2-178575431-A-T. GRCh37 (hg19) VCF-style: chr2-179440158-A-T.
Other names: c.65778T>A, p.Tyr21926Ter (NM_001256850.1); c.43506T>A, p.Tyr14502Ter (NM_003319.4); c.62997T>A, p.Tyr20999Ter (NM_133378.4); c.43881T>A, p.Tyr14627Ter (NM_133432.3); c.44082T>A, p.Tyr14694Ter (NM_133437.4); short protein forms Y20999*, Y14627*, Y14694*, Y23567*, Y14502*, Y21926*.
Identifiers: ClinVar variation 2921673 (VCV002921673.3), dbSNP rs2468678181, ClinGen allele CA349661774.

ClinVar aggregate classification (germline): Likely pathogenic (1 of 4 stars; one submission).

Conditions:
Dilated cardiomyopathy 1G (CMD1G). Identifiers: Orphanet 154, MedGen C1858763, MONDO:0011400, OMIM 604145.
Autosomal recessive limb-girdle muscular dystrophy type 2J (LGMDR10). Also called: Limb-girdle muscular dystrophy, type 2J; MUSCULAR DYSTROPHY, LIMB-GIRDLE, AUTOSOMAL RECESSIVE 10. Identifiers: Orphanet 140922, MedGen C1837342, MONDO:0012127, OMIM 608807.

Submission:

Labcorp Genetics (formerly Invitae), Labcorp
Classification: Likely pathogenic for Dilated cardiomyopathy 1G; Autosomal recessive limb-girdle muscular dystrophy type 2J. Last evaluated: 2023-12-24. Review status: criteria provided, single submitter. Criteria: Invitae Variant Classification Sherloc (09022015). Collection method: clinical testing. Allele origin: germline.
Comment: This sequence change creates a premature translational stop signal (p.Tyr23567*) in the TTN gene. While this is not anticipated to result in nonsense mediated decay, it is expected to create a truncated TTN protein. This variant is not present in population databases (gnomAD no frequency). This variant has not been reported in the literature in individuals affected with TTN-related conditions. This variant is located in the A band of TTN (PMID: 25589632). Truncating variants in this region are significantly overrepresented in patients affected with dilated cardiomyopathy (PMID: 25589632). Truncating variants in this region have also been reported in individuals affected with autosomal recessive centronuclear myopathy (PMID: 23975875). In summary, the currently available evidence indicates that the variant is pathogenic, but additional data are needed to prove that conclusively. Therefore, this variant has been classified as Likely Pathogenic.

Literature cited by the submitters: PubMed 25589632; PubMed 23975875.